The following is an entry in ClinVar:

NM_001367624.2(ZNF469):c.2477C>T (p.Pro826Leu)

Gene: ZNF469 (zinc finger protein 469; plus strand). Cytogenetic location: 16q24.2.
Variant type: single nucleotide variant.
Coding change: c.2477C>T on transcript NM_001367624.2 (MANE Select); coding-DNA position 2477, C replaced by T.
Protein change: p.Pro826Leu; replaces proline 826 with leucine.
Molecular consequence: missense variant.
Genome position (GRCh38, 1-based): chr16:88,429,947, C>T. VCF-style: chr16-88429947-C-T. GRCh37 (hg19) VCF-style: chr16-88496355-C-T.
Other names: NM_001127464.1:c.2477C>T; NM_001127464.2:c.2477C>T; short protein forms P826L.
Identifiers: ClinVar variation 1309393 (VCV001309393.16), dbSNP rs772056680, ClinGen allele CA8224773.
Genomic context (GRCh38, chr16:88,429,947, plus strand): 5'-AGGGCAAAGACGACCCCCTGAGGACAGGCTTCCTGCCCAGCCTGGCCGCCACCCCCTTCC[C>T]GCTCCCTGCCTCGGACCTGGACATGGAGGATGACGCCAAGCTGGACAGCCTCATCACAGA-3'
Protein context (NP_001354553.1, residues 816-836): FLPSLAATPF[Pro826Leu]LPASDLDMED

ClinVar aggregate classification (germline): Conflicting classifications of pathogenicity. Review status: criteria provided, conflicting classifications (1 of 4 stars). 5 submissions from 5 submitters: Uncertain significance (4); Likely benign (1). Last evaluated 2026-06-22.

Conditions:
Cardiovascular phenotype. Identifiers: MedGen CN230736.
ZNF469-related disorder. Also called: ZNF469-related condition.

Allele frequency attached by ClinVar (database versions not stated): ExAC 0.00013; gnomAD exomes 0.00006.
gnomAD v4.1: 175 of 1,550,210 alleles (0.011%); highest among the groups gnomAD compares: Non-Finnish European, 0.015%; no homozygotes.

Submissions (5):

Ambry Genetics
Classification: Likely benign for Cardiovascular phenotype. Last evaluated: 2026-06-22. Review status: criteria provided, single submitter. Criteria: Ambry Variant Classification Scheme 2023. Collection method: clinical testing. Allele origin: germline.

PreventionGenetics, part of Exact Sciences
Classification: Uncertain significance for ZNF469-related condition. Last evaluated: 2026-02-11. Review status: criteria provided, single submitter. Criteria: ACMG Guidelines, 2015. Collection method: clinical testing. Allele origin: germline.
Comment: The ZNF469 c.2477C>T variant is predicted to result in the amino acid substitution p.Pro826Leu. To our knowledge, this variant has not been reported in the literature. This variant is reported in 0.014% of alleles in individuals of European (Non-Finnish) descent in gnomAD. At this time, the clinical significance of this variant is uncertain due to the absence of conclusive functional and genetic evidence.

Women's Health and Genetics/Laboratory Corporation of America, LabCorp
Classification: Uncertain significance. Last evaluated: 2026-01-05. Review status: criteria provided, single submitter. Criteria: LabCorp Variant Classification Summary - May 2015. Collection method: clinical testing. Allele origin: germline.
Comment: Variant summary: ZNF469 c.2477C>T (p.Pro826Leu) results in a non-conservative amino acid change in the encoded protein sequence. Algorithms developed to predict the effect of missense changes on protein structure and function are either unavailable or do not agree on the potential impact of this missense change. The variant allele was found at a frequency of 5.9e-05 in 151454 control chromosomes. The available data on variant occurrences in the general population are insufficient to allow any conclusion about variant significance. To our knowledge, no occurrence of c.2477C>T in individuals affected with ZNF469-related conditions and no experimental evidence demonstrating its impact on protein function have been reported. ClinVar contains an entry for this variant (Variation ID: 1309393). Based on the evidence outlined above, the variant was classified as uncertain significance.

GeneDx
Classification: Uncertain significance. Last evaluated: 2024-06-17. Review status: criteria provided, single submitter. Criteria: GeneDx Variant Classification Process June 2021. Collection method: clinical testing. Allele origin: germline. Affected: yes.
Comment: Has not been previously published as pathogenic or benign to our knowledge; In silico analysis supports that this missense variant has a deleterious effect on protein structure/function

Labcorp Genetics (formerly Invitae), Labcorp
Classification: Uncertain significance. Last evaluated: 2022-06-27. Review status: criteria provided, single submitter. Criteria: Invitae Variant Classification Sherloc (09022015). Collection method: clinical testing. Allele origin: germline.
Comment: This sequence change replaces proline, which is neutral and non-polar, with leucine, which is neutral and non-polar, at codon 826 of the ZNF469 protein (p.Pro826Leu). This variant is present in population databases (rs772056680, gnomAD 0.01%). This variant has not been reported in the literature in individuals affected with ZNF469-related conditions. ClinVar contains an entry for this variant (Variation ID: 1309393). Algorithms developed to predict the effect of missense changes on protein structure and function are either unavailable or do not agree on the potential impact of this missense change (SIFT: "Deleterious"; PolyPhen-2: "Probably Damaging"; Align-GVGD: "Class C0"). In summary, the available evidence is currently insufficient to determine the role of this variant in disease. Therefore, it has been classified as a Variant of Uncertain Significance.